The following is an entry in ClinVar:

NM_144997.7(FLCN):c.288C>T (p.Ile96=)

Gene: FLCN (folliculin; minus strand). Cytogenetic location: 17p11.2.
Variant type: single nucleotide variant.
Coding change: c.288C>T on transcript NM_144997.7 (MANE Select); coding-DNA position 288, C replaced by T.
Protein change: p.Ile96=; no amino-acid change (isoleucine 96 retained).
Molecular consequence: synonymous variant.
Genome position (GRCh38, 1-based): chr17:17,226,284, G>A on the plus strand (C>T on the coding strand, the complement: FLCN is on the minus strand). VCF-style: chr17-17226284-G-A. GRCh37 (hg19) VCF-style: chr17-17129598-G-A.
Other names: c.288C>T, p.Ile96= (NM_001353229.2, NM_001353230.2, NM_001353231.2 and 1 more transcripts).
Identifiers: ClinVar variation 1568428 (VCV001568428.11), dbSNP rs2145013356, ClinGen allele CA498167705.

ClinVar aggregate classification (germline): Benign/Likely benign. Review status: criteria provided, multiple submitters, no conflicts (2 of 4 stars). 3 submissions from 3 submitters: Benign (1); Likely benign (2). Last evaluated 2025-04-30.

Conditions:
Birt-Hogg-Dube syndrome. Also called: Birt Hogg Dubé syndrome. Identifiers: Orphanet 122, MedGen C0346010, MONDO:0800444.
Birt-Hogg-Dube syndrome 1 (BHD1). Also called: FIBROFOLLICULOMAS WITH TRICHODISCOMAS AND ACROCHORDONS. Identifiers: Orphanet 122, MedGen CN375946, MONDO:0800445, OMIM 135150.
Hereditary cancer-predisposing syndrome. Also called: Neoplastic Syndromes, Hereditary; Tumor predisposition; Hereditary Cancer Syndrome; Hereditary neoplastic syndrome. Identifiers: Orphanet 140162, MedGen C0027672, MeSH D009386, MONDO:0015356.

Allele frequency attached by ClinVar (database versions not stated): gnomAD exomes below 0.00001.

Submissions (3):

Labcorp Genetics (formerly Invitae), Labcorp
Classification: Likely benign for Birt-Hogg-Dube syndrome. Last evaluated: 2025-04-30. Review status: criteria provided, single submitter. Criteria: Invitae Variant Classification Sherloc (09022015). Collection method: clinical testing. Allele origin: germline.

Myriad Genetics, Inc.
Classification: Benign for Birt-Hogg-Dube syndrome 1. Last evaluated: 2024-10-22. Review status: criteria provided, single submitter. Criteria: Myriad Autosomal Dominant, Autosomal Recessive and X-Linked Classification Criteria (2023). Collection method: clinical testing. Allele origin: unknown.
Comment: This variant is considered benign. This variant is a silent/synonymous amino acid change and it is not expected to impact splicing.

Ambry Genetics
Classification: Likely benign for Hereditary cancer-predisposing syndrome. Last evaluated: 2020-02-09. Review status: criteria provided, single submitter. Criteria: Ambry Variant Classification Scheme 2023. Collection method: clinical testing. Allele origin: germline.